The following is an entry in ClinVar:

ClinVar aggregate classification (germline): Pathogenic/Likely pathogenic. Review status: criteria provided, multiple submitters, no conflicts (2 of 4 stars). 4 submissions from 4 submitters: Pathogenic (2); Likely pathogenic (2). Last evaluated 2025-08-19.

Conditions:
Primary ciliary dyskinesia. Also called: Ciliary dyskinesia. Identifiers: Orphanet 244, MedGen C0008780, MONDO:0016575, HP:0012265.
Primary ciliary dyskinesia 3. Identifiers: Orphanet 244, MedGen C1837618, MONDO:0012085, OMIM 608644.

Submissions (4):

Natera, Inc.
Classification: Likely pathogenic for Primary ciliary dyskinesia. Last evaluated: 2025-08-19. Review status: criteria provided, single submitter. Criteria: Natera Variant Classification Schema (03/2026). Collection method: clinical testing. Allele origin: germline.
Comment: The c.6739C>T variant in DNAH5 is a nonsense variant predicted to introduce a stop codon at amino acid 2247. This variant is expected to result in nonsense mediated decay, truncation, or a dysfunctional protein product. This variant is rare in the general population with a frequency below the threshold expected for the associated phenotype(s). Given the available evidence, this variant is classified as Likely Pathogenic.

Labcorp Genetics (formerly Invitae), Labcorp
Classification: Pathogenic for Primary ciliary dyskinesia. Last evaluated: 2024-06-14. Review status: criteria provided, single submitter. Criteria: Invitae Variant Classification Sherloc (09022015). Collection method: clinical testing. Allele origin: germline.
Comment: This sequence change creates a premature translational stop signal (p.Gln2247*) in the DNAH5 gene. It is expected to result in an absent or disrupted protein product. Loss-of-function variants in DNAH5 are known to be pathogenic (PMID: 11788826, 16627867). This variant is not present in population databases (gnomAD no frequency). This variant has not been reported in the literature in individuals affected with DNAH5-related conditions. ClinVar contains an entry for this variant (Variation ID: 1455026). For these reasons, this variant has been classified as Pathogenic.

Myriad Genetics, Inc.
Classification: Pathogenic for Primary ciliary dyskinesia 3. Last evaluated: 2024-05-08. Review status: criteria provided, single submitter. Criteria: Myriad Autosomal Dominant, Autosomal Recessive and X-Linked Classification Criteria (2023). Collection method: clinical testing. Allele origin: unknown.
Comment: NM_001369.2(DNAH5):c.6739C>T(Q2247*) is expected to be pathogenic in the context of primary ciliary dyskinesia, DNAH5-related. This variant is predicted to lead to an abnormal or absent protein product due to the creation of a premature termination codon in DNAH5, a gene where loss-of-function variants are known to be pathogenic. Please note: this variant was assessed in the context of healthy population screening.

Fulgent Genetics
Classification: Likely pathogenic for Primary ciliary dyskinesia 3. Last evaluated: 2022-01-28. Review status: criteria provided, single submitter. Criteria: ACMG Guidelines, 2015. Collection method: clinical testing. Allele origin: unknown.

Literature cited by the submitters: PubMed 11788826 (cited by Labcorp Genetics (formerly Invitae), Labcorp); PubMed 16627867 (cited by Labcorp Genetics (formerly Invitae), Labcorp).

NM_001369.3(DNAH5):c.6739C>T (p.Gln2247Ter)

Gene: DNAH5 (dynein axonemal heavy chain 5; minus strand). Cytogenetic location: 5p15.2.
Variant type: single nucleotide variant.
Coding change: c.6739C>T on transcript NM_001369.3 (MANE Select); coding-DNA position 6739, C replaced by T.
Protein change: p.Gln2247Ter; replaces glutamine 2247 with a stop codon.
Molecular consequence: nonsense.
Genome position (GRCh38, 1-based): chr5:13,820,448, G>A on the plus strand (C>T on the coding strand, the complement: DNAH5 is on the minus strand). VCF-style: chr5-13820448-G-A. GRCh37 (hg19) VCF-style: chr5-13820557-G-A.
Other names: c.6739C>T (NM_001369.2); short protein forms Q2247*.
Identifiers: ClinVar variation 1455026 (VCV001455026.9), dbSNP rs2151814430, ClinGen allele CA359194888.